The following is an entry in ClinVar:

ClinVar aggregate classification (germline): Uncertain significance (1 of 4 stars; one submission).

Conditions:
Dilated cardiomyopathy 1M (CMD1M). Identifiers: Orphanet 154, MedGen C1843808, MONDO:0011840, OMIM 607482.
Hypertrophic cardiomyopathy 12. Identifiers: MedGen C2677491, MONDO:0012804, OMIM 612124.

gnomAD v4.1: 2 of 1,614,002 alleles (0.00012%); highest among the groups gnomAD compares: Non-Finnish European, 0.00017%; no homozygotes.

Submission:

Labcorp Genetics (formerly Invitae), Labcorp
Classification: Uncertain significance for Hypertrophic cardiomyopathy 12; Dilated cardiomyopathy 1M. Last evaluated: 2024-12-26. Review status: criteria provided, single submitter. Criteria: Invitae Variant Classification Sherloc (09022015). Collection method: clinical testing. Allele origin: germline.
Comment: This sequence change replaces asparagine, which is neutral and polar, with lysine, which is basic and polar, at codon 3 of the CSRP3 protein (p.Asn3Lys). This variant is not present in population databases (gnomAD no frequency). This missense change has been observed in individual(s) with dilated cardiomyopathy (PMID: 37198425). An algorithm developed to predict the effect of missense changes on protein structure and function (PolyPhen-2) suggests that this variant is likely to be tolerated. In summary, the available evidence is currently insufficient to determine the role of this variant in disease. Therefore, it has been classified as a Variant of Uncertain Significance.

Literature cited by the submitters: PubMed 37198425.

NM_003476.5(CSRP3):c.9C>G (p.Asn3Lys)

Gene: CSRP3 (cysteine and glycine rich protein 3; minus strand). Cytogenetic location: 11p15.1.
Variant type: single nucleotide variant.
Coding change: c.9C>G on transcript NM_003476.5 (MANE Select); coding-DNA position 9, C replaced by G.
Protein change: p.Asn3Lys; replaces asparagine 3 with lysine.
Molecular consequence: missense variant.
Genome position (GRCh38, 1-based): chr11:19,192,440, G>C on the plus strand (C>G on the coding strand, the complement: CSRP3 is on the minus strand). VCF-style: chr11-19192440-G-C. GRCh37 (hg19) VCF-style: chr11-19213987-G-C.
Other names: c.9C>G, p.Asn3Lys (NM_001369404.1); short protein forms N3K.
Identifiers: ClinVar variation 3748598 (VCV003748598.2).